The following is an entry in ClinVar:

NM_000038.6(APC):c.6837A>G (p.Lys2279=)

Gene: APC (APC regulator of Wnt signaling pathway; plus strand). Cytogenetic location: 5q22.2.
Variant type: single nucleotide variant.
Coding change: c.6837A>G on transcript NM_000038.6 (MANE Select); coding-DNA position 6837, A replaced by G.
Protein change: p.Lys2279=; no amino-acid change (lysine 2279 retained).
Molecular consequence: synonymous variant.
Genome position (GRCh38, 1-based): chr5:112,842,431, A>G. VCF-style: chr5-112842431-A-G. GRCh37 (hg19) VCF-style: chr5-112178128-A-G.
Other names: c.6534A>G, p.Lys2178= (NM_001354903.2); c.6459A>G, p.Lys2153= (NM_001354904.2); c.6357A>G, p.Lys2119= (NM_001354905.2); c.5988A>G, p.Lys1996= (NM_001354906.2); c.6837A>G, p.Lys2279= (NM_001127510.3, NM_001354895.2); c.6783A>G, p.Lys2261= (NM_001127511.3); c.6891A>G, p.Lys2297= (NM_001354896.2); c.6867A>G, p.Lys2289= (NM_001354897.2); and 5 more.
Identifiers: ClinVar variation 383857 (VCV000383857.26), dbSNP rs1057521763, ClinGen allele CA16605188.

ClinVar aggregate classification (germline): Benign/Likely benign. Review status: criteria provided, multiple submitters, no conflicts (2 of 4 stars). 9 submissions from 9 submitters: Benign (1); Likely benign (7). 1 of the submissions does not count toward it. Last evaluated 2026-01-18.

Conditions:
Hereditary cancer-predisposing syndrome. Also called: Hereditary Cancer Syndrome; Hereditary neoplastic syndrome; Neoplastic Syndromes, Hereditary; Tumor predisposition. Identifiers: Orphanet 140162, MedGen C0027672, MeSH D009386, MONDO:0015356.
Classic or attenuated familial adenomatous polyposis. Identifiers: MedGen CN372698, MONDO:0021057.
APC-related disorder. Also called: APC-related condition.
Familial adenomatous polyposis 1 (FAP1). Also called: FAMILIAL ADENOMATOUS POLYPOSIS 1, ATTENUATED; POLYPOSIS, ADENOMATOUS INTESTINAL. Identifiers: MedGen C2713442, MONDO:0021056, OMIM 175100. Disease mechanism: loss of function.

Allele frequency attached by ClinVar (database versions not stated): gnomAD exomes below 0.00001; TOPMed 0.00001; gnomAD 0.00002.

Submissions (9):

Labcorp Genetics (formerly Invitae), Labcorp
Classification: Likely benign for Familial adenomatous polyposis 1. Last evaluated: 2026-01-18. Review status: criteria provided, single submitter. Criteria: Invitae Variant Classification Sherloc (09022015). Collection method: clinical testing. Allele origin: germline.

Laboratory of Genetics, Children's Clinical University Hospital Latvia
Classification: Likely benign. Last evaluated: 2025-02-16. Review status: criteria provided, single submitter. Criteria: ACMG Guidelines, 2015. Collection method: clinical testing. Allele origin: germline. Affected: yes.

Myriad Genetics, Inc.
Classification: Benign for Familial adenomatous polyposis 1. Last evaluated: 2024-04-05. Review status: criteria provided, single submitter. Criteria: Myriad Autosomal Dominant, Autosomal Recessive and X-Linked Classification Criteria (2023). Collection method: clinical testing. Allele origin: unknown.
Comment: This variant is considered benign. This variant is a silent/synonymous amino acid change and it is not expected to impact splicing.

All of Us Research Program, National Institutes of Health
Classification: Likely benign for Classic or attenuated familial adenomatous polyposis. Last evaluated: 2023-04-27. Review status: criteria provided, single submitter. Criteria: ACMG Guidelines, 2015. Collection method: clinical testing. Allele origin: germline. Inheritance: Autosomal dominant inheritance. Observed: 2 variant alleles, 2 heterozygotes.
Comment: This study involves interpretation of variants in research participants for the purpose of population health screening. Participant phenotype was not available at the time of variant classification. Additional details can be found in publication PMID: 35346344, PMCID: PMC8962531

GeneDx
Classification: Likely benign. Last evaluated: 2020-03-23. Review status: criteria provided, single submitter. Criteria: GeneDx Variant Classification Process June 2021. Collection method: clinical testing. Allele origin: germline. Affected: yes.

Color Diagnostics, LLC DBA Color Health
Classification: Likely benign for Hereditary cancer-predisposing syndrome. Last evaluated: 2018-12-10. Review status: criteria provided, single submitter. Criteria: ACMG Guidelines, 2015. Collection method: clinical testing. Allele origin: germline.

Quest Diagnostics Nichols Institute San Juan Capistrano
Classification: Likely benign. Last evaluated: 2018-10-09. Review status: criteria provided, single submitter. Criteria: Quest Diagnostics criteria. Collection method: clinical testing. Allele origin: germline.

Ambry Genetics
Classification: Likely benign for Hereditary cancer-predisposing syndrome. Last evaluated: 2017-07-06. Review status: criteria provided, single submitter. Criteria: Ambry Variant Classification Scheme 2023. Collection method: clinical testing. Allele origin: germline.

PreventionGenetics, part of Exact Sciences
Classification: Likely benign for APC-related condition. Last evaluated: 2023-08-16. Review status: no assertion criteria provided. Collection method: clinical testing. Allele origin: germline. Not counted in ClinVar's aggregate classification.
Comment: This variant is classified as likely benign based on ACMG/AMP sequence variant interpretation guidelines (Richards et al. 2015 PMID: 25741868, with internal and published modifications).